The following is an entry in ClinVar:

ClinVar aggregate classification (germline): Likely benign. Review status: criteria provided, multiple submitters, no conflicts (2 of 4 stars). 3 submissions from 3 submitters: Likely benign (3). Last evaluated 2025-08-30.

Conditions:
Cardiovascular phenotype. Identifiers: MedGen CN230736.
Familial hypobetalipoproteinemia 1. Also called: Hypobetalipoproteinemia, normotriglyceridemic; Acanthocytosis with hypobetalipoproteinemia; APOB-Related Familial Hypobetalipoproteinemia. Identifiers: MedGen C4551990, MONDO:0014252, OMIM 615558.
Hypercholesterolemia, autosomal dominant, type B (FHCL2). Also called: Familial hypercholesterolemia 2; APOB-Related Familial Hypercholesterolemia, Autosomal Dominant; HYPERCHOLESTEROLEMIA, FAMILIAL, DUE TO LIGAND-DEFECTIVE APOLIPOPROTEIN B; Familial Hypercholesterolemia Type B; APOLIPOPROTEIN B-100, FAMILIAL DEFECTIVE; APOLIPOPROTEIN B-100, FAMILIAL LIGAND-DEFECTIVE. Identifiers: MedGen C1704417, MONDO:0007751, OMIM 144010.

Allele frequency attached by ClinVar (database versions not stated): TOPMed 0.00004; 1000 Genomes Project 0.00020; 1000 Genomes Project 30x 0.00031.
gnomAD v4.1: 10 of 1,614,108 alleles (0.00062%); highest among the groups gnomAD compares: East Asian, 0.022%; no homozygotes.

Submissions (3):

Labcorp Genetics (formerly Invitae), Labcorp
Classification: Likely benign for Familial hypobetalipoproteinemia 1; Hypercholesterolemia, autosomal dominant, type B. Last evaluated: 2025-08-30. Review status: criteria provided, single submitter. Criteria: Invitae Variant Classification Sherloc (09022015). Collection method: clinical testing. Allele origin: germline.

Ambry Genetics
Classification: Likely benign for Cardiovascular phenotype. Last evaluated: 2020-06-20. Review status: criteria provided, single submitter. Criteria: Ambry Variant Classification Scheme 2023. Collection method: clinical testing. Allele origin: germline.

GeneDx
Classification: Likely benign. Last evaluated: 2017-05-01. Review status: criteria provided, single submitter. Criteria: GeneDx Variant Classification (06012015). Collection method: clinical testing. Allele origin: germline. Affected: yes.
Comment: This variant is considered likely benign or benign based on one or more of the following criteria: it is a conservative change, it occurs at a poorly conserved position in the protein, it is predicted to be benign by multiple in silico algorithms, and/or has population frequency not consistent with disease.

NM_000384.3(APOB):c.1903C>A (p.Arg635=)

Gene: APOB (apolipoprotein B; minus strand). Cytogenetic location: 2p24.1.
Variant type: single nucleotide variant.
Coding change: c.1903C>A on transcript NM_000384.3 (MANE Select); coding-DNA position 1903, C replaced by A.
Protein change: p.Arg635=; no amino-acid change (arginine 635 retained).
Molecular consequence: synonymous variant.
Genome position (GRCh38, 1-based): chr2:21,027,992, G>T on the plus strand (C>A on the coding strand, the complement: APOB is on the minus strand). VCF-style: chr2-21027992-G-T. GRCh37 (hg19) VCF-style: chr2-21250864-G-T.
Identifiers: ClinVar variation 509218 (VCV000509218.18), dbSNP rs548108916, ClinGen allele CA054846.